The following is an entry in ClinVar:

NM_000179.3(MSH6):c.2161A>G (p.Arg721Gly)

Gene: MSH6 (mutS homolog 6; plus strand). Cytogenetic location: 2p16.3.
Variant type: single nucleotide variant.
Coding change: c.2161A>G on transcript NM_000179.3 (MANE Select); coding-DNA position 2161, A replaced by G.
Protein change: p.Arg721Gly; replaces arginine 721 with glycine.
Molecular consequence: missense variant.
Genome position (GRCh38, 1-based): chr2:47,800,144, A>G. VCF-style: chr2-47800144-A-G. GRCh37 (hg19) VCF-style: chr2-48027283-A-G.
Other names: c.1771A>G, p.Arg591Gly (NM_001281492.2); c.1255A>G, p.Arg419Gly (NM_001281493.2, NM_001281494.2); short protein forms R721G, R419G, R591G.
Identifiers: ClinVar variation 143007 (VCV000143007.27), dbSNP rs537604099, ClinGen allele CA009782.

ClinVar aggregate classification (germline): Conflicting classifications of pathogenicity. Review status: criteria provided, conflicting classifications (1 of 4 stars). 9 submissions from 9 submitters: Uncertain significance (8); Likely benign (1). Last evaluated 2026-02-03.

Conditions:
Hereditary nonpolyposis colorectal neoplasms. Identifiers: MedGen C0009405, MeSH D003123.
Hereditary cancer-predisposing syndrome. Also called: Hereditary Cancer Syndrome; Neoplastic Syndromes, Hereditary; Hereditary neoplastic syndrome; Tumor predisposition. Identifiers: Orphanet 140162, MedGen C0027672, MeSH D009386, MONDO:0015356.
Lynch syndrome. Identifiers: Orphanet 144, MedGen C4552100, MONDO:0005835. Disease mechanism: loss of function.
Endometrial carcinoma. Also called: Endometrial carcinoma, somatic. Identifiers: MedGen C0476089, MONDO:0002447, OMIM 608089, HP:0012114.

Allele frequency attached by ClinVar (database versions not stated): gnomAD exomes 0.00002; TOPMed 0.00002; gnomAD 0.00003; 1000 Genomes Project 30x 0.00016; 1000 Genomes Project 0.00020.
gnomAD v4.1: 9 of 1,614,210 alleles (0.00056%); highest among the groups gnomAD compares: East Asian, 0.0089%; no homozygotes.

Submissions (9):

Labcorp Genetics (formerly Invitae), Labcorp
Classification: Likely benign for Hereditary nonpolyposis colorectal neoplasms. Last evaluated: 2026-02-03. Review status: criteria provided, single submitter. Criteria: Invitae Variant Classification Sherloc (09022015). Collection method: clinical testing. Allele origin: germline.

Center for Genomic Medicine, Rigshospitalet, Copenhagen University Hospital
Classification: Uncertain significance. Last evaluated: 2025-12-29. Review status: criteria provided, single submitter. Criteria: ACMG Guidelines, 2015. Collection method: clinical testing. Allele origin: germline.
Comment: Classification criteria: BP4

Women's Health and Genetics/Laboratory Corporation of America, LabCorp
Classification: Uncertain significance. Last evaluated: 2025-12-16. Review status: criteria provided, single submitter. Criteria: LabCorp Variant Classification Summary - May 2015. Collection method: clinical testing. Allele origin: germline.
Comment: Variant summary: MSH6 c.2161A>G (p.Arg721Gly) results in a non-conservative amino acid change in the encoded protein sequence. Algorithms developed to predict the effect of missense changes on protein structure and function are either unavailable or do not agree on the potential impact of this missense change. The variant allele was found at a frequency of 1.6e-05 in 250950 control chromosomes. The available data on variant occurrences in the general population are insufficient to allow any conclusion about variant significance. c.2161A>G has been observed in individual(s) affected with colorectal or endometrial cancer (Li_2020), and breast cancer (Tung_2015, Hu_2022). These report(s) do not provide unequivocal conclusions about association of the variant with Lynch Syndrome. To our knowledge, no experimental evidence demonstrating an impact on protein function has been reported. The following publications have been ascertained in the context of this evaluation (PMID: 35449176, 31391288, 25186627, 35171259). ClinVar contains an entry for this variant (Variation ID: 143007). Based on the evidence outlined above, the variant was classified as uncertain significance.

Ambry Genetics
Classification: Uncertain significance for Hereditary cancer-predisposing syndrome. Last evaluated: 2025-06-26. Review status: criteria provided, single submitter. Criteria: Ambry Variant Classification Scheme 2023. Collection method: clinical testing. Allele origin: germline.
Comment: The p.R721G variant (also known as c.2161A>G), located in coding exon 4 of the MSH6 gene, results from an A to G substitution at nucleotide position 2161. The arginine at codon 721 is replaced by glycine, an amino acid with dissimilar properties. This amino acid position is not well conserved in available vertebrate species. In addition, this alteration is predicted to be tolerated by in silico analysis. Since supporting evidence is limited at this time, the clinical significance of this alteration remains unclear.

All of Us Research Program, National Institutes of Health
Classification: Uncertain significance for Lynch syndrome. Last evaluated: 2024-05-14. Review status: criteria provided, single submitter. Criteria: ACMG Guidelines, 2015. Collection method: clinical testing. Allele origin: germline. Inheritance: Autosomal dominant inheritance. Observed: 2 variant alleles, 2 heterozygotes.
Comment: This missense variant replaces arginine with glycine at codon 721 of the MSH6 protein. Computational prediction suggests that this variant may not impact protein structure and function (internally defined REVEL score threshold <= 0.5, PMID: 27666373). To our knowledge, functional studies have not been performed for this variant. This variant has been observed in an individual affected with colorectal or endometrial cancer (PMID: 31391288), and in an individual affected with breast cancer (PMID: 25186627). This variant has been identified in 5/282358 chromosomes in the general population by the Genome Aggregation Database (gnomAD). The available evidence is insufficient to determine the role of this variant in disease conclusively. Therefore, this variant is classified as a Variant of Uncertain Significance.

This study involves interpretation of variants in research participants for the purpose of population health screening. Participant phenotype was not available at the time of variant classification. Additional details can be found in publication PMID: 35346344, PMCID: PMC8962531

Color Diagnostics, LLC DBA Color Health
Classification: Uncertain significance for Hereditary cancer-predisposing syndrome. Last evaluated: 2024-05-01. Review status: criteria provided, single submitter. Criteria: ACMG Guidelines, 2015. Collection method: clinical testing. Allele origin: germline.
Comment: This missense variant replaces arginine with glycine at codon 721 of the MSH6 protein. Computational prediction suggests that this variant may not impact protein structure and function (internally defined REVEL score threshold <= 0.5, PMID: 27666373). To our knowledge, functional studies have not been performed for this variant. This variant has been observed in an individual affected with colorectal or endometrial cancer (PMID: 31391288), and in an individual affected with breast cancer (PMID: 25186627). This variant has been identified in 5/282358 chromosomes in the general population by the Genome Aggregation Database (gnomAD). The available evidence is insufficient to determine the role of this variant in disease conclusively. Therefore, this variant is classified as a Variant of Uncertain Significance.

GeneDx
Classification: Uncertain significance. Last evaluated: 2023-08-08. Review status: criteria provided, single submitter. Criteria: GeneDx Variant Classification Process June 2021. Collection method: clinical testing. Allele origin: germline. Affected: yes.
Comment: Not observed at significant frequency in large population cohorts (gnomAD); In silico analysis supports that this missense variant does not alter protein structure/function; Observed in an individual with breast cancer and family history of cancer (Tung et al., 2015); This variant is associated with the following publications: (PMID: 17531815, 21120944, 31391288, 25186627, 35171259)

Baylor Genetics
Classification: Uncertain significance for Endometrial carcinoma. Last evaluated: 2023-08-03. Review status: criteria provided, single submitter. Criteria: ACMG Guidelines, 2015. Collection method: clinical testing. Allele origin: unknown.

Mendelics
Classification: Uncertain significance for Lynch syndrome. Last evaluated: 2018-07-02. Review status: criteria provided, single submitter. Criteria: Mendelics Assertion Criteria 2017. Collection method: clinical testing. Allele origin: unknown.

Literature cited by the submitters: PubMed 25186627 (cited by 4 submitters); PubMed 31391288 (cited by 3 submitters); PubMed 35449176 (cited by Women's Health and Genetics/Laboratory Corporation of America, LabCorp); PubMed 35171259 (cited by Women's Health and Genetics/Laboratory Corporation of America, LabCorp).